The following is an entry in ClinVar:

ClinVar aggregate classification (germline): Uncertain significance (1 of 4 stars; one submission).

Conditions:
Hereditary spastic paraplegia 30. Identifiers: Orphanet 101010, MedGen C5235139, MONDO:0012476.
Neuropathy, hereditary sensory, type 2C. Also called: KIF1A-Related HSAN2 (HSAN2C); Hereditary sensory and autonomic neuropathy type IIC. Identifiers: Orphanet 970, MedGen C3280168, MONDO:0013634, OMIM 614213.
Intellectual disability, autosomal dominant 9 (NESCAVS). Also called: KIF1A-Related Neurodevelopmental Disorder; NESCAV SYNDROME. Identifiers: Orphanet 662367, MedGen C5393830, MONDO:0013656, OMIM 614255.

Submission:

Labcorp Genetics (formerly Invitae), Labcorp
Classification: Uncertain significance for Hereditary spastic paraplegia 30; Neuropathy, hereditary sensory, type 2C; Intellectual disability, autosomal dominant 9. Last evaluated: 2021-04-10. Review status: criteria provided, single submitter. Criteria: Invitae Variant Classification Sherloc (09022015). Collection method: clinical testing. Allele origin: germline.
Comment: In summary, the available evidence is currently insufficient to determine the role of this variant in disease. Therefore, it has been classified as a Variant of Uncertain Significance. Algorithms developed to predict the effect of missense changes on protein structure and function are either unavailable or do not agree on the potential impact of this missense change (SIFT: "Tolerated"; PolyPhen-2: "Possibly Damaging"; Align-GVGD: "Class C0"). This variant has not been reported in the literature in individuals with KIF1A-related conditions. This variant is not present in population databases (ExAC no frequency). This sequence change replaces proline with arginine at codon 1095 of the KIF1A protein (p.Pro1095Arg). The proline residue is highly conserved and there is a moderate physicochemical difference between proline and arginine.

NM_001244008.2(KIF1A):c.3587C>G (p.Pro1196Arg)

Gene: KIF1A (kinesin family member 1A; minus strand). Cytogenetic location: 2q37.3.
Variant type: single nucleotide variant.
Coding change: c.3587C>G on transcript NM_001244008.2 (MANE Select); coding-DNA position 3587, C replaced by G.
Protein change: p.Pro1196Arg; replaces proline 1196 with arginine.
Molecular consequence: missense variant.
Genome position (GRCh38, 1-based): chr2:240,742,982, G>C on the plus strand (C>G on the coding strand, the complement: KIF1A is on the minus strand). VCF-style: chr2-240742982-G-C. GRCh37 (hg19) VCF-style: chr2-241682399-G-C.
Other names: c.3311C>G, p.Pro1104Arg (NM_001320705.2, NM_001330289.2, NM_001379638.1); c.3386C>G, p.Pro1129Arg (NM_001330290.2, NM_001379634.1, NM_001379635.1 and 1 more transcripts); c.3662C>G, p.Pro1221Arg (NM_001379631.1); c.3536C>G, p.Pro1179Arg (NM_001379632.1); c.3560C>G, p.Pro1187Arg (NM_001379633.1, NM_001379642.1, NM_001379645.1); c.3284C>G, p.Pro1095Arg (NM_001379636.1, NM_001379639.1, NM_001379641.1 and 5 more transcripts); c.3359C>G, p.Pro1120Arg (NM_001379637.1, NM_001379648.1); c.3281C>G, p.Pro1094Arg (NM_001379640.1); short protein forms P1120R, P1129R, P1221R, P1187R, P1094R, P1104R, P1196R, P1095R.
Identifiers: ClinVar variation 1496602 (VCV001496602.8), dbSNP rs754421385, ClinGen allele CA351316473.